The following is an entry in ClinVar:

ClinVar aggregate classification (germline): Uncertain significance (1 of 4 stars; one submission).

Conditions:
Gingival disorder. Also called: Gingival disease. Identifiers: MedGen C0017563, MONDO:0002021.

Submission:

Labcorp Genetics (formerly Invitae), Labcorp
Classification: Uncertain significance for Gingival disorder. Last evaluated: 2025-04-30. Review status: criteria provided, single submitter. Criteria: Invitae Variant Classification Sherloc (09022015). Collection method: clinical testing. Allele origin: germline.
Comment: This sequence change creates a premature translational stop signal (p.Trp91*) in the FPR1 gene. While this is not anticipated to result in nonsense mediated decay, it is expected to disrupt the last 260 amino acid(s) of the FPR1 protein. This variant is not present in population databases (gnomAD no frequency). This variant has not been reported in the literature in individuals affected with FPR1-related conditions. ClinVar contains an entry for this variant (Variation ID: 1493466). Experimental studies and prediction algorithms are not available or were not evaluated, and the functional significance of this variant is currently unknown. In summary, the available evidence is currently insufficient to determine the role of this variant in disease. Therefore, it has been classified as a Variant of Uncertain Significance.

NM_002029.4(FPR1):c.272G>A (p.Trp91Ter)

Gene: FPR1 (formyl peptide receptor 1; minus strand). Cytogenetic location: 19q13.41.
Variant type: single nucleotide variant.
Coding change: c.272G>A on transcript NM_002029.4 (MANE Select); coding-DNA position 272, G replaced by A.
Protein change: p.Trp91Ter; replaces tryptophan 91 with a stop codon.
Molecular consequence: nonsense.
Genome position (GRCh38, 1-based): chr19:51,746,723, C>T on the plus strand (G>A on the coding strand, the complement: FPR1 is on the minus strand). VCF-style: chr19-51746723-C-T. GRCh37 (hg19) VCF-style: chr19-52249976-C-T.
Other names: c.272G>A, p.Trp91Ter (NM_001193306.2); short protein forms W91*.
Identifiers: ClinVar variation 1493466 (VCV001493466.6), dbSNP rs2122323889, ClinGen allele CA407119758.
Genomic context (GRCh38, chr19:51,746,723, plus strand): 5'-CCGAACAAGTTGATGTCCACTATGGTAAAGACGAATTTGCACAGGAACCAGCCGAAAGGC[C>T]AATGTCCTCCCATGGCCTTCCTGACCATGAAGAATGGCAAAGTGGAGGTGAAACAGAAGT-3'